The following is an entry in ClinVar:

ClinVar aggregate classification (germline): Uncertain significance. Review status: criteria provided, multiple submitters, no conflicts (2 of 4 stars). 2 submissions from 2 submitters: Uncertain significance (2). Last evaluated 2025-12-04.

Conditions:
USH2A-related disorder. Also called: USH2A-related condition; USH2A-related disorders. Identifiers: MedGen CN239332.

Allele frequency attached by ClinVar (database versions not stated): ExAC 0.00001; gnomAD exomes 0.00001.
gnomAD v4.1: 12 of 1,613,544 alleles (0.00074%); highest among the groups gnomAD compares: Middle Eastern, 0.083%; no homozygotes.

Submissions (2):

PreventionGenetics, part of Exact Sciences
Classification: Uncertain significance for USH2A-related condition. Last evaluated: 2025-12-04. Review status: criteria provided, single submitter. Criteria: ACMG Guidelines, 2015. Collection method: clinical testing. Allele origin: germline.
Comment: The USH2A c.7328T>G variant is predicted to result in the amino acid substitution p.Leu2443Arg. To our knowledge, this variant has not been reported in the literature. This variant is reported in 0.0023% of alleles in individuals of European (Non-Finnish) descent in gnomAD. At this time, the clinical significance of this variant is uncertain due to the absence of conclusive functional and genetic evidence.

Labcorp Genetics (formerly Invitae), Labcorp
Classification: Uncertain significance. Last evaluated: 2022-06-19. Review status: criteria provided, single submitter. Criteria: Invitae Variant Classification Sherloc (09022015). Collection method: clinical testing. Allele origin: germline.
Comment: This sequence change replaces leucine, which is neutral and non-polar, with arginine, which is basic and polar, at codon 2443 of the USH2A protein (p.Leu2443Arg). This variant is present in population databases (rs747587687, gnomAD 0.002%). This variant has not been reported in the literature in individuals affected with USH2A-related conditions. Algorithms developed to predict the effect of missense changes on protein structure and function (SIFT, PolyPhen-2, Align-GVGD) all suggest that this variant is likely to be disruptive. In summary, the available evidence is currently insufficient to determine the role of this variant in disease. Therefore, it has been classified as a Variant of Uncertain Significance.

NM_206933.4(USH2A):c.7328T>G (p.Leu2443Arg)

Gene: USH2A (usherin; minus strand). Cytogenetic location: 1q41.
Variant type: single nucleotide variant.
Coding change: c.7328T>G on transcript NM_206933.4 (MANE Select); coding-DNA position 7328, T replaced by G.
Protein change: p.Leu2443Arg; replaces leucine 2443 with arginine.
Molecular consequence: missense variant.
Genome position (GRCh38, 1-based): chr1:215,900,878, A>C on the plus strand (T>G on the coding strand, the complement: USH2A is on the minus strand). VCF-style: chr1-215900878-A-C. GRCh37 (hg19) VCF-style: chr1-216074220-A-C.
Other names: c.7328T>G (NM_206933.2); short protein forms L2443R.
Identifiers: ClinVar variation 2160059 (VCV002160059.2), dbSNP rs747587687, ClinGen allele CA1394870.